The following is an entry in ClinVar:

NM_001127178.3(PIGG):c.628A>G (p.Ile210Val)

Gene: PIGG (phosphatidylinositol glycan anchor biosynthesis class G (EMM blood group); plus strand). Cytogenetic location: 4p16.3.
Variant type: single nucleotide variant.
Coding change: c.628A>G on transcript NM_001127178.3 (MANE Select); coding-DNA position 628, A replaced by G.
Protein change: p.Ile210Val; replaces isoleucine 210 with valine.
Molecular consequence: missense variant. On other transcripts: 5 prime UTR variant (4), non-coding transcript variant (10), intron variant (1).
Genome position (GRCh38, 1-based): chr4:507,462, A>G. VCF-style: chr4-507462-A-G. GRCh37 (hg19) VCF-style: chr4-501251-A-G.
Other names: c.361A>G, p.Ile121Val (NM_001289051.2, NM_001289053.2, NM_001289057.2 and 2 more transcripts); c.262A>G, p.Ile88Val (NM_001289055.2); c.-260A>G (NM_001345988.2); c.628A>G, p.Ile210Val (NM_001345989.2, NM_017733.5); c.-998A>G (NM_001345990.2); c.-860A>G (NM_001345991.2); c.-585A>G (NM_001345994.2); c.361-1367A>G (NM_001289052.2); short protein forms I121V, I88V, I210V.
Identifiers: ClinVar variation 1387318 (VCV001387318.6), dbSNP rs185393063, ClinGen allele CA2793049.

ClinVar aggregate classification (germline): Uncertain significance (1 of 4 stars; one submission).

Conditions:
Intellectual disability, autosomal recessive 53 (NEDHSCA). Also called: NEURODEVELOPMENTAL DISORDER WITH OR WITHOUT HYPOTONIA, SEIZURES, AND CEREBELLAR ATROPHY; GLYCOSYLPHOSPHATIDYLINOSITOL BIOSYNTHESIS DEFECT 13; Mental retardation, autosomal recessive 53. Identifiers: Orphanet 488635, MedGen C4310794, MONDO:0014832, OMIM 616917.

Allele frequency attached by ClinVar (database versions not stated): gnomAD exomes below 0.00001 and 0.00001; ExAC 0.00001; gnomAD 0.00001; 1000 Genomes Project 30x 0.00016; 1000 Genomes Project 0.00020.
gnomAD v4.1: 2 of 1,614,000 alleles (0.00012%); highest among the groups gnomAD compares: African/African-American, 0.0013%; no homozygotes.

Submission:

Labcorp Genetics (formerly Invitae), Labcorp
Classification: Uncertain significance for Intellectual disability, autosomal recessive 53. Last evaluated: 2024-10-16. Review status: criteria provided, single submitter. Criteria: Invitae Variant Classification Sherloc (09022015). Collection method: clinical testing. Allele origin: germline.
Comment: This sequence change replaces isoleucine, which is neutral and non-polar, with valine, which is neutral and non-polar, at codon 210 of the PIGG protein (p.Ile210Val). This variant is present in population databases (rs185393063, gnomAD 0.007%). This variant has not been reported in the literature in individuals affected with PIGG-related conditions. ClinVar contains an entry for this variant (Variation ID: 1387318). Invitae Evidence Modeling of protein sequence and biophysical properties (such as structural, functional, and spatial information, amino acid conservation, physicochemical variation, residue mobility, and thermodynamic stability) indicates that this missense variant is not expected to disrupt PIGG protein function with a negative predictive value of 80%. In summary, the available evidence is currently insufficient to determine the role of this variant in disease. Therefore, it has been classified as a Variant of Uncertain Significance.